The following is an entry in ClinVar:

NM_000147.5(FUCA1):c.31G>T (p.Ala11Ser)

Gene: FUCA1 (alpha-L-fucosidase 1; minus strand). Cytogenetic location: 1p36.11.
Variant type: single nucleotide variant.
Coding change: c.31G>T on transcript NM_000147.5 (MANE Select); coding-DNA position 31, G replaced by T.
Protein change: p.Ala11Ser; replaces alanine 11 with serine.
Molecular consequence: missense variant.
Genome position (GRCh38, 1-based): chr1:23,868,256, C>A on the plus strand (G>T on the coding strand, the complement: FUCA1 is on the minus strand). VCF-style: chr1-23868256-C-A. GRCh37 (hg19) VCF-style: chr1-24194746-C-A.
Other names: short protein forms A11S.
Identifiers: ClinVar variation 1349399 (VCV001349399.6), dbSNP rs1455700210, ClinGen allele CA339010930.

ClinVar aggregate classification (germline): Uncertain significance (1 of 4 stars; one submission).

Conditions:
Fucosidosis. Also called: ALPHA-L-FUCOSIDASE DEFICIENCY. Identifiers: Orphanet 349, MedGen C0016788, MONDO:0009254, OMIM 230000.

Submission:

Labcorp Genetics (formerly Invitae), Labcorp
Classification: Uncertain significance for Fucosidosis. Last evaluated: 2022-08-21. Review status: criteria provided, single submitter. Criteria: Invitae Variant Classification Sherloc (09022015). Collection method: clinical testing. Allele origin: germline.
Comment: In summary, the available evidence is currently insufficient to determine the role of this variant in disease. Therefore, it has been classified as a Variant of Uncertain Significance. Algorithms developed to predict the effect of missense changes on protein structure and function (SIFT, PolyPhen-2, Align-GVGD) all suggest that this variant is likely to be tolerated. ClinVar contains an entry for this variant (Variation ID: 1349399). This variant has not been reported in the literature in individuals affected with FUCA1-related conditions. The frequency data for this variant in the population databases is considered unreliable, as metrics indicate poor data quality at this position in the gnomAD database. This sequence change replaces alanine, which is neutral and non-polar, with serine, which is neutral and polar, at codon 11 of the FUCA1 protein (p.Ala11Ser).